The following is an entry in ClinVar:

NM_006765.4(TUSC3):c.38C>T (p.Ala13Val)

Gene: TUSC3 (tumor suppressor candidate 3; plus strand). Cytogenetic location: 8p22.
Variant type: single nucleotide variant.
Coding change: c.38C>T on transcript NM_006765.4 (MANE Select); coding-DNA position 38, C replaced by T.
Protein change: p.Ala13Val; replaces alanine 13 with valine.
Molecular consequence: missense variant.
Genome position (GRCh38, 1-based): chr8:15,540,468, C>T. VCF-style: chr8-15540468-C-T. GRCh37 (hg19) VCF-style: chr8-15397977-C-T.
Other names: c.38C>T, p.Ala13Val (NM_001356429.2, NM_178234.2); short protein forms A13V.
Identifiers: ClinVar variation 547986 (VCV000547986.21), dbSNP rs200808372, ClinGen allele CA4640266.
Genomic context (GRCh38, chr8:15,540,468, plus strand): 5'-GGAGGAGACACTGCCCTGCCGCGATGGGGGCCCGGGGCGCTCCTTCACGCCGTAGGCAAG[C>T]GGGGCGGCGGCTGCGGTACCTGCCCACCGGGAGCTTTCCCTTCCTTCTCCTGCTGCTGCT-3'
Protein context (NP_006756.2, residues 3-23): ARGAPSRRRQ[Ala13Val]GRRLRYLPTG

ClinVar aggregate classification (germline): Uncertain significance. Review status: criteria provided, multiple submitters, no conflicts (2 of 4 stars). 7 submissions from 7 submitters: Uncertain significance (6). 1 of the submissions does not count toward it. Last evaluated 2025-10-13.

Conditions:
Inborn genetic diseases. Identifiers: MedGen C0950123, MeSH D030342.
Congenital disorder of glycosylation (CDG). Also called: Carbohydrate-deficient glycoprotein syndrome; Congenital disorders of glycosylation. Identifiers: Orphanet 137, MedGen C0282577, MONDO:0015286.
TUSC3-related disorder. Also called: TUSC3-related condition.
Intellectual developmental disorder, autosomal recessive 7. Also called: Intellectual disability, autosomal recessive 7. Identifiers: Orphanet 88616, MedGen C1970197, MONDO:0012615, OMIM 611093.

Allele frequency attached by ClinVar (database versions not stated): gnomAD 0.00054; TOPMed 0.00055; gnomAD exomes 0.00059 and 0.00069; ESP Exome Variant Server 0.00031; ExAC 0.00075.
gnomAD v4.1: 1,086 of 1,605,990 alleles (0.068%); highest among the groups gnomAD compares: Middle Eastern, 0.17%; 2 homozygotes.

Submissions (7):

Labcorp Genetics (formerly Invitae), Labcorp
Classification: Uncertain significance for Intellectual developmental disorder, autosomal recessive 7. Last evaluated: 2025-10-13. Review status: criteria provided, single submitter. Criteria: Invitae Variant Classification Sherloc (09022015). Collection method: clinical testing. Allele origin: germline.
Comment: This sequence change replaces alanine, which is neutral and non-polar, with valine, which is neutral and non-polar, at codon 13 of the TUSC3 protein (p.Ala13Val). This variant is present in population databases (rs200808372, gnomAD 0.1%), and has an allele count higher than expected for a pathogenic variant. This missense change has been observed in individual(s) with clinical features of TUSC3-related conditions (PMID: 28820871). ClinVar contains an entry for this variant (Variation ID: 547986). Experimental studies and prediction algorithms are not available or were not evaluated, and the functional significance of this variant is currently unknown. In summary, the available evidence is currently insufficient to determine the role of this variant in disease. Therefore, it has been classified as a Variant of Uncertain Significance.

Ambry Genetics
Classification: Uncertain significance for Inborn genetic diseases. Last evaluated: 2022-03-15. Review status: criteria provided, single submitter. Criteria: Ambry Variant Classification Scheme 2023. Collection method: clinical testing. Allele origin: germline.
Comment: The c.38C>T (p.A13V) alteration is located in exon 1 (coding exon 1) of the TUSC3 gene. This alteration results from a C to T substitution at nucleotide position 38, causing the alanine (A) at amino acid position 13 to be replaced by a valine (V). The p.A13V alteration is predicted to be tolerated by in silico analysis. Based on insufficient or conflicting evidence, the clinical significance of this alteration remains unclear.

GeneDx
Classification: Uncertain significance. Last evaluated: 2021-09-03. Review status: criteria provided, single submitter. Criteria: GeneDx Variant Classification Process June 2021. Collection method: clinical testing. Allele origin: germline. Affected: yes.
Comment: In silico analysis supports that this missense variant does not alter protein structure/function; Observed in an individual with ADHD and a clinical diagnosis of fetal alcohol syndrome (de la Morena-Barrio et al., 2018); This variant is associated with the following publications: (PMID: Kubo2019[article], 33206719, 28820871)

Mayo Clinic Laboratories, Mayo Clinic
Classification: Uncertain significance for Intellectual developmental disorder, autosomal recessive 7. Last evaluated: 2017-07-05. Review status: criteria provided, single submitter. Criteria: ACMG Guidelines, 2015. Collection method: clinical testing. Allele origin: paternal.

Illumina Laboratory Services, Illumina
Classification: Uncertain significance for Congenital disorder of glycosylation. Last evaluated: 2017-04-27. Review status: criteria provided, single submitter. Criteria: ICSL Variant Classification Criteria 13 December 2019. Collection method: clinical testing. Allele origin: germline.

Breakthrough Genomics
Classification: Uncertain significance. Review status: criteria provided, single submitter. Criteria: ACMG Guidelines, 2015. Collection method: not provided. Allele origin: germline. Inheritance: Autosomal recessive inheritance. Affected: yes.

PreventionGenetics, part of Exact Sciences
Classification: Likely benign for TUSC3-related condition. Last evaluated: 2024-03-28. Review status: no assertion criteria provided. Collection method: clinical testing. Allele origin: germline. Not counted in ClinVar's aggregate classification.
Comment: This variant is classified as likely benign based on ACMG/AMP sequence variant interpretation guidelines (Richards et al. 2015 PMID: 25741868, with internal and published modifications).

Literature cited by the submitters: PubMed 28820871 (cited by Labcorp Genetics (formerly Invitae), Labcorp).